The following is an entry in ClinVar:

NM_032119.4(ADGRV1):c.7954A>G (p.Lys2652Glu)

Gene: ADGRV1 (adhesion G protein-coupled receptor V1; plus strand). Cytogenetic location: 5q14.3.
Variant type: single nucleotide variant.
Coding change: c.7954A>G on transcript NM_032119.4 (MANE Select); coding-DNA position 7954, A replaced by G.
Protein change: p.Lys2652Glu; replaces lysine 2652 with glutamic acid.
Molecular consequence: missense variant. On other transcripts: non-coding transcript variant (1).
Genome position (GRCh38, 1-based): chr5:90,696,945, A>G. VCF-style: chr5-90696945-A-G. GRCh37 (hg19) VCF-style: chr5-89992762-A-G.
Other names: short protein forms K2652E.
Identifiers: ClinVar variation 929988 (VCV000929988.4), dbSNP rs1747265965, ClinGen allele CA360384224.

ClinVar aggregate classification (germline): Uncertain significance (1 of 4 stars; one submission).

Submission:

Laboratory for Molecular Medicine, Mass General Brigham Personalized Medicine
Classification: Uncertain significance. Last evaluated: 2020-04-16. Review status: criteria provided, single submitter. Criteria: LMM Criteria. Collection method: clinical testing. Allele origin: germline. Observed: 1 variant allele.
Comment: The p.Lys2652Glu variant in ADGRV1 has not been previously reported in individuals with Usher syndrome, and was absent from large population studies. Computational prediction tools and conservation analyses do not provide strong support for or against an impact to the protein. In summary, the clinical significance of this variant is uncertain. ACMG/AMP Criteria applied: PM2.